The following is an entry in ClinVar:

ClinVar aggregate classification (germline): Uncertain significance (1 of 4 stars; one submission).

Allele frequency attached by ClinVar (database versions not stated): gnomAD 0.00001; TOPMed 0.00001.
gnomAD v4.1: 2 of 1,613,744 alleles (0.00012%); highest among the groups gnomAD compares: African/African-American, 0.0027%; no homozygotes.

Submission:

Labcorp Genetics (formerly Invitae), Labcorp
Classification: Uncertain significance. Last evaluated: 2022-09-23. Review status: criteria provided, single submitter. Criteria: Invitae Variant Classification Sherloc (09022015). Collection method: clinical testing. Allele origin: germline.
Comment: This variant has not been reported in the literature in individuals affected with TAOK2-related conditions. Algorithms developed to predict the effect of missense changes on protein structure and function (SIFT, PolyPhen-2, Align-GVGD) all suggest that this variant is likely to be tolerated. In summary, the available evidence is currently insufficient to determine the role of this variant in disease. Therefore, it has been classified as a Variant of Uncertain Significance. This variant is not present in population databases (gnomAD no frequency). This sequence change replaces alanine, which is neutral and non-polar, with valine, which is neutral and non-polar, at codon 374 of the TAOK2 protein (p.Ala374Val).

NM_016151.4(TAOK2):c.1121C>T (p.Ala374Val)

Gene: TAOK2 (TAO kinase 2; plus strand). Cytogenetic location: 16p11.2.
Variant type: single nucleotide variant.
Coding change: c.1121C>T on transcript NM_016151.4 (MANE Select); coding-DNA position 1121, C replaced by T.
Protein change: p.Ala374Val; replaces alanine 374 with valine.
Molecular consequence: missense variant.
Genome position (GRCh38, 1-based): chr16:29,983,193, C>T. VCF-style: chr16-29983193-C-T. GRCh37 (hg19) VCF-style: chr16-29994514-C-T.
Other names: c.1121C>T, p.Ala374Val (NM_001252043.2, NM_004783.4); short protein forms A374V.
Identifiers: ClinVar variation 1931843 (VCV001931843.5), dbSNP rs1214795018, ClinGen allele CA395480169.